The following is an entry in ClinVar:

NM_000257.4(MYH7):c.4131G>A (p.Thr1377=)

Gene: MYH7 (myosin heavy chain 7; minus strand). Cytogenetic location: 14q11.2.
Variant type: single nucleotide variant.
Coding change: c.4131G>A on transcript NM_000257.4 (MANE Select); coding-DNA position 4131, G replaced by A.
Protein change: p.Thr1377=; no amino-acid change (threonine 1377 retained).
Molecular consequence: synonymous variant.
Genome position (GRCh38, 1-based): chr14:23,418,248, C>T on the plus strand (G>A on the coding strand, the complement: MYH7 is on the minus strand). VCF-style: chr14-23418248-C-T. GRCh37 (hg19) VCF-style: chr14-23887457-C-T.
Other names: c.4131G>A (LRG_384t1).
Identifiers: ClinVar variation 511766 (VCV000511766.21), dbSNP rs369420587, ClinGen allele CA040443.

ClinVar aggregate classification (germline): Likely benign. Review status: criteria provided, multiple submitters, no conflicts (2 of 4 stars). 9 submissions from 9 submitters: Likely benign (7). 2 of the submissions do not count toward it. Last evaluated 2025-12-20.

Conditions:
Cardiovascular phenotype. Identifiers: MedGen CN230736.
Hypertrophic cardiomyopathy. Also called: HYPERTROPHIC MYOCARDIOPATHY. Identifiers: Orphanet 217569, MedGen C0007194, MeSH D002312, MONDO:0005045, HP:0001639.
Cardiomyopathy (CMYO). Also called: Cardiomyopathies. Identifiers: Orphanet 167848, MedGen C0878544, MONDO:0004994, HP:0001638. Inheritance: Various modes of inheritance.

Allele frequency attached by ClinVar (database versions not stated): TOPMed 0.00004.
gnomAD v4.1: 62 of 1,613,444 alleles (0.0038%); highest among the groups gnomAD compares: Admixed American, 0.005%; no homozygotes.

Submissions (9):

Labcorp Genetics (formerly Invitae), Labcorp
Classification: Likely benign for Hypertrophic cardiomyopathy. Last evaluated: 2025-12-20. Review status: criteria provided, single submitter. Criteria: Invitae Variant Classification Sherloc (09022015). Collection method: clinical testing. Allele origin: germline.

Molecular Diagnostic Laboratory for Inherited Cardiovascular Disease, Montreal Heart Institute
Classification: Likely benign. Last evaluated: 2025-04-09. Review status: criteria provided, single submitter. Criteria: ACMG Guidelines, 2015. Collection method: clinical testing. Allele origin: germline. Affected: no.

Blueprint Genetics
Classification: Likely benign. Last evaluated: 2024-09-23. Review status: criteria provided, single submitter. Criteria: ACMG Guidelines, 2015. Collection method: clinical testing. Allele origin: germline.

All of Us Research Program, National Institutes of Health
Classification: Likely benign for Cardiomyopathy. Last evaluated: 2024-02-05. Review status: criteria provided, single submitter. Criteria: ACMG Guidelines, 2015. Collection method: clinical testing. Allele origin: germline. Inheritance: Autosomal dominant inheritance. Observed: 11 variant alleles, 11 heterozygotes.
Comment: This study involves interpretation of variants in research participants for the purpose of population health screening. Participant phenotype was not available at the time of variant classification. Additional details can be found in publication PMID: 35346344, PMCID: PMC8962531

Ambry Genetics
Classification: Likely benign for Cardiovascular phenotype. Last evaluated: 2022-10-27. Review status: criteria provided, single submitter. Criteria: Ambry Variant Classification Scheme 2023. Collection method: clinical testing. Allele origin: germline.

Color Diagnostics, LLC DBA Color Health
Classification: Likely benign for Cardiomyopathy. Last evaluated: 2019-07-09. Review status: criteria provided, single submitter. Criteria: ACMG Guidelines, 2015. Collection method: clinical testing. Allele origin: germline.

GeneDx
Classification: Likely benign. Last evaluated: 2019-04-22. Review status: criteria provided, single submitter. Criteria: GeneDx Variant Classification Process June 2021. Collection method: clinical testing. Allele origin: germline. Affected: yes.

Clinical Genetics, Academic Medical Center
Classification: Benign. Review status: no assertion criteria provided. Collection method: clinical testing. Allele origin: germline. Affected: yes. Study: VKGL Data-share Consensus. Not counted in ClinVar's aggregate classification.

Joint Genome Diagnostic Labs from Nijmegen and Maastricht, Radboudumc and MUMC+
Classification: Likely benign. Review status: no assertion criteria provided. Collection method: clinical testing. Allele origin: germline. Affected: yes. Study: VKGL Data-share Consensus. Not counted in ClinVar's aggregate classification.